The following is an entry in ClinVar:

ClinVar aggregate classification (germline): Uncertain significance (1 of 4 stars; one submission).

Conditions:
Hypertrophic cardiomyopathy 26. Also called: Cardiomyopathy, familial hypertrophic, 26. Identifiers: Orphanet 75249, MedGen C4310749, MONDO:0014883, OMIM 617047.
Dilated Cardiomyopathy, Dominant.
Myofibrillar myopathy 5. Also called: FILAMINOPATHY, AUTOSOMAL DOMINANT; Filaminopathy (type). Identifiers: Orphanet 171445, MedGen C1836050, MONDO:0012289, OMIM 609524.
Distal myopathy with posterior leg and anterior hand involvement. Also called: WILLIAMS DISTAL MYOPATHY. Identifiers: Orphanet 63273, MedGen C3279722, MONDO:0013550, OMIM 614065.

Submission:

Labcorp Genetics (formerly Invitae), Labcorp
Classification: Uncertain significance for Distal myopathy with posterior leg and anterior hand involvement; Myofibrillar myopathy 5; Hypertrophic cardiomyopathy 26. Last evaluated: 2023-06-10. Review status: criteria provided, single submitter. Criteria: Invitae Variant Classification Sherloc (09022015). Collection method: clinical testing. Allele origin: germline.
Comment: In summary, the available evidence is currently insufficient to determine the role of this variant in disease. Therefore, it has been classified as a Variant of Uncertain Significance. Experimental studies and prediction algorithms are not available or were not evaluated, and the functional significance of this variant is currently unknown. A similar copy number variant has been observed in individual(s) with clinical features of FLNC-related conditions (Invitae). This variant results in a copy number gain of the genomic region encompassing exon(s) 47-48 of the FLNC gene. This region includes the termination codon of the gene. This copy number gain extends beyond the assayed region for this gene and therefore may encompass additional genes. As the precise location of this event is unknown, it may be in tandem or it may be located elsewhere in the genome.

NC_000007.13:g.(?_128498042)_(128498577_?)dup

Gene: FLNC (filamin C; plus strand). Cytogenetic location: 7q32.1.
Variant type: Duplication.
Identifiers: ClinVar variation 1469579 (VCV001469579.6).